The following is an entry in ClinVar:

NM_000085.5(CLCNKB):c.1477G>A (p.Gly493Ser)

Genes: CLCNKB (chloride voltage-gated channel Kb; plus strand), LOC106501713 (CLCNKB recombination region; plus strand). Cytogenetic location: 1p36.13.
Variant type: single nucleotide variant.
Coding change: c.1477G>A on transcript NM_000085.5 (MANE Select); coding-DNA position 1477, G replaced by A.
Protein change: p.Gly493Ser; replaces glycine 493 with serine.
Molecular consequence: missense variant.
Genome position (GRCh38, 1-based): chr1:16,052,266, G>A. VCF-style: chr1-16052266-G-A. GRCh37 (hg19) VCF-style: chr1-16378761-G-A.
Other names: c.970G>A, p.Gly324Ser (NM_001165945.2); c.1477G>A (NM_000085.3); short protein forms G324S, G493S.
Identifiers: ClinVar variation 1370837 (VCV001370837.7), dbSNP rs777095700, ClinGen allele CA623891.

ClinVar aggregate classification (germline): Uncertain significance. Review status: criteria provided, multiple submitters, no conflicts (2 of 4 stars). 2 submissions from 2 submitters: Uncertain significance (2). Last evaluated 2025-10-23.

Conditions:
Inborn genetic diseases. Identifiers: MedGen C0950123, MeSH D030342.

Allele frequency attached by ClinVar (database versions not stated): ExAC 0.00002; gnomAD exomes 0.00002 and 0.00003; TOPMed 0.00002.
gnomAD v4.1: 31 of 1,613,216 alleles (0.0019%); highest among the groups gnomAD compares: South Asian, 0.0033%; no homozygotes.

Submissions (2):

Ambry Genetics
Classification: Uncertain significance for Inborn genetic diseases. Last evaluated: 2025-10-23. Review status: criteria provided, single submitter. Criteria: Ambry Variant Classification Scheme 2023. Collection method: clinical testing. Allele origin: germline.

Labcorp Genetics (formerly Invitae), Labcorp
Classification: Uncertain significance. Last evaluated: 2021-10-23. Review status: criteria provided, single submitter. Criteria: Invitae Variant Classification Sherloc (09022015). Collection method: clinical testing. Allele origin: germline.
Comment: This sequence change replaces glycine with serine at codon 493 of the CLCNKB protein (p.Gly493Ser). The glycine residue is highly conserved and there is a small physicochemical difference between glycine and serine. This variant is present in population databases (rs777095700, ExAC 0.02%). This variant has not been reported in the literature in individuals affected with CLCNKB-related conditions. Advanced modeling of protein sequence and biophysical properties (such as structural, functional, and spatial information, amino acid conservation, physicochemical variation, residue mobility, and thermodynamic stability) performed at Invitae indicates that this missense variant is expected to disrupt CLCNKB protein function. In summary, the available evidence is currently insufficient to determine the role of this variant in disease. Therefore, it has been classified as a Variant of Uncertain Significance.